The following is an entry in ClinVar:

NM_000059.4(BRCA2):c.4868A>C (p.Gln1623Pro)

Gene: BRCA2 (BRCA2 DNA repair associated; plus strand). Cytogenetic location: 13q13.1.
Variant type: single nucleotide variant.
Coding change: c.4868A>C on transcript NM_000059.4 (MANE Select); coding-DNA position 4868, A replaced by C.
Protein change: p.Gln1623Pro; replaces glutamine 1623 with proline.
Molecular consequence: missense variant.
Genome position (GRCh38, 1-based): chr13:32,339,223, A>C. VCF-style: chr13-32339223-A-C. GRCh37 (hg19) VCF-style: chr13-32913360-A-C.
Other names: short protein forms Q1623P.
Identifiers: ClinVar variation 630949 (VCV000630949.21), dbSNP rs75381894, ClinGen allele CA387783450.

ClinVar aggregate classification (germline): Conflicting classifications of pathogenicity. Review status: criteria provided, conflicting classifications (1 of 4 stars). 6 submissions from 6 submitters: Uncertain significance (4); Likely benign (2). Last evaluated 2025-09-01.

Conditions:
Hereditary cancer-predisposing syndrome. Also called: Tumor predisposition; Neoplastic Syndromes, Hereditary; Hereditary neoplastic syndrome; Hereditary Cancer Syndrome. Identifiers: Orphanet 140162, MedGen C0027672, MeSH D009386, MONDO:0015356.
Hereditary breast ovarian cancer syndrome. Also called: Hereditary breast and ovarian cancer; Hereditary breast and ovarian cancer syndrome (HBOC); Breast and ovarian cancer; Hereditary breast and ovarian cancer syndrome; BRCA1- and BRCA2-Associated Hereditary Breast and Ovarian Cancer; Hereditary breast and/or ovarian cancer syndrome. Identifiers: Orphanet 145, MedGen C0677776, MeSH D061325, MONDO:0003582. Disease mechanism: loss of function.
BRCA2-related cancer predisposition. Identifiers: MedGen CN377758, MONDO:0700269.

Submissions (6):

Women's Health and Genetics/Laboratory Corporation of America, LabCorp
Classification: Uncertain significance. Last evaluated: 2025-09-01. Review status: criteria provided, single submitter. Criteria: LabCorp Variant Classification Summary - May 2015. Collection method: clinical testing. Allele origin: germline.

Ambry Genetics
Classification: Uncertain significance for Hereditary cancer-predisposing syndrome. Last evaluated: 2025-08-29. Review status: criteria provided, single submitter. Criteria: Ambry Variant Classification Scheme 2023. Collection method: clinical testing. Allele origin: germline.
Comment: The p.Q1623P variant (also known as c.4868A>C), located in coding exon 10 of the BRCA2 gene, results from an A to C substitution at nucleotide position 4868. The glutamine at codon 1623 is replaced by proline, an amino acid with similar properties. This amino acid position is conserved. In addition, this alteration is predicted to be tolerated by in silico analysis. Since supporting evidence is limited at this time, the clinical significance of this alteration remains unclear.

Labcorp Genetics (formerly Invitae), Labcorp
Classification: Likely benign for Hereditary breast ovarian cancer syndrome. Last evaluated: 2025-05-05. Review status: criteria provided, single submitter. Criteria: Invitae Variant Classification Sherloc (09022015). Collection method: clinical testing. Allele origin: germline.

All of Us Research Program, National Institutes of Health
Classification: Uncertain significance for BRCA2-related cancer predisposition. Last evaluated: 2024-07-29. Review status: criteria provided, single submitter. Criteria: ACMG Guidelines, 2015. Collection method: clinical testing. Allele origin: germline. Inheritance: Autosomal dominant inheritance. Observed: 1 variant allele, 1 heterozygote.
Comment: This missense variant replaces glutamine with proline at codon 1623 of the BRCA2 protein. Computational prediction suggests that this variant may not impact protein structure and function (internally defined REVEL score threshold <= 0.5, PMID: 27666373). To our knowledge, functional studies have not been reported for this variant. This variant has not been reported in individuals affected with BRCA2-related disorders in the literature. This variant has not been identified in the general population by the Genome Aggregation Database (gnomAD). The available evidence is insufficient to determine the role of this variant in disease conclusively. Therefore, this variant is classified as a Variant of Uncertain Significance.

This study involves interpretation of variants in research participants for the purpose of population health screening. Participant phenotype was not available at the time of variant classification. Additional details can be found in publication PMID: 35346344, PMCID: PMC8962531

Color Diagnostics, LLC DBA Color Health
Classification: Uncertain significance for Hereditary cancer-predisposing syndrome. Last evaluated: 2023-12-05. Review status: criteria provided, single submitter. Criteria: ACMG Guidelines, 2015. Collection method: clinical testing. Allele origin: germline.
Comment: This missense variant replaces glutamine with proline at codon 1623 of the BRCA2 protein. Computational prediction suggests that this variant may not impact protein structure and function (internally defined REVEL score threshold <= 0.5, PMID: 27666373). To our knowledge, functional studies have not been reported for this variant. This variant has not been reported in individuals affected with BRCA2-related disorders in the literature. This variant has not been identified in the general population by the Genome Aggregation Database (gnomAD). The available evidence is insufficient to determine the role of this variant in disease conclusively. Therefore, this variant is classified as a Variant of Uncertain Significance.

University of Washington Department of Laboratory Medicine, University of Washington
Classification: Likely benign for Hereditary cancer-predisposing syndrome. Last evaluated: 2023-03-23. Review status: criteria provided, single submitter. Criteria: Dines et al. (Genet Med. 2020). Collection method: curation. Allele origin: germline.
Comment: Missense variant in a coldspot region where missense variants are very unlikely to be pathogenic (PMID:31911673).

BRCA2 exon 11 coldspot. Reclassification based on statistical prior probability.